The following is an entry in ClinVar:

NM_014159.7(SETD2):c.6786C>T (p.Pro2262=)

Gene: SETD2 (SET domain containing 2, histone lysine methyltransferase; minus strand). Cytogenetic location: 3p21.31.
Variant type: single nucleotide variant.
Coding change: c.6786C>T on transcript NM_014159.7 (MANE Select); coding-DNA position 6786, C replaced by T.
Protein change: p.Pro2262=; no amino-acid change (proline 2262 retained).
Molecular consequence: synonymous variant. On other transcripts: non-coding transcript variant (1).
Genome position (GRCh38, 1-based): chr3:47,056,998, G>A on the plus strand (C>T on the coding strand, the complement: SETD2 is on the minus strand). VCF-style: chr3-47056998-G-A. GRCh37 (hg19) VCF-style: chr3-47098488-G-A.
Other names: c.6654C>T, p.Pro2218= (NM_001349370.3).
Identifiers: ClinVar variation 774069 (VCV000774069.33), dbSNP rs149552397, ClinGen allele CA2362662.

ClinVar aggregate classification (germline): Likely benign. Review status: criteria provided, multiple submitters, no conflicts (2 of 4 stars). 2 submissions from 2 submitters: Likely benign (2). Last evaluated 2025-02-24.

Conditions:
Luscan-Lumish syndrome. Identifiers: Orphanet 597738, MedGen C4085873, MONDO:0014791, OMIM 616831.

Allele frequency attached by ClinVar (database versions not stated): gnomAD exomes 0.00005 and 0.00009; ExAC 0.00011; gnomAD 0.00029 and 0.00032; TOPMed 0.00036; ESP Exome Variant Server 0.00046.
gnomAD v4.1: 125 of 1,614,228 alleles (0.0077%); highest among the groups gnomAD compares: African/African-American, 0.093%; 1 homozygote.

Submissions (2):

Labcorp Genetics (formerly Invitae), Labcorp
Classification: Likely benign for Luscan-Lumish syndrome. Last evaluated: 2025-02-24. Review status: criteria provided, single submitter. Criteria: Invitae Variant Classification Sherloc (09022015). Collection method: clinical testing. Allele origin: germline.

CeGaT Center for Human Genetics Tuebingen
Classification: Likely benign. Last evaluated: 2023-09-01. Review status: criteria provided, single submitter. Criteria: CeGaT Center For Human Genetics Tuebingen Variant Classification Criteria Version 2. Collection method: clinical testing. Allele origin: germline. Affected: yes. Observed: 1 variant allele.
Comment: SETD2: BP4, BP7